The following is an entry in ClinVar:

ClinVar aggregate classification (germline): Likely benign. Review status: criteria provided, single submitter (1 of 4 stars). 2 submissions from 2 submitters: Likely benign (1). 1 of the submissions does not count toward it. Last evaluated 2025-08-04.

Conditions:
CISD2-related disorder. Also called: CISD2-related condition.

Allele frequency attached by ClinVar (database versions not stated): TOPMed 0.00009; ExAC 0.00001; gnomAD exomes 0.00002; gnomAD 0.00007; ESP Exome Variant Server 0.00008.
gnomAD v4.1: 33 of 1,613,928 alleles (0.002%); highest among the groups gnomAD compares: African/African-American, 0.028%; no homozygotes.

Submissions (2):

Labcorp Genetics (formerly Invitae), Labcorp
Classification: Likely benign. Last evaluated: 2025-08-04. Review status: criteria provided, single submitter. Criteria: Invitae Variant Classification Sherloc (09022015). Collection method: clinical testing. Allele origin: germline.

PreventionGenetics, part of Exact Sciences
Classification: Likely benign for CISD2-related condition. Last evaluated: 2024-07-01. Review status: no assertion criteria provided. Collection method: clinical testing. Allele origin: germline. Not counted in ClinVar's aggregate classification.
Comment: This variant is classified as likely benign based on ACMG/AMP sequence variant interpretation guidelines (Richards et al. 2015 PMID: 25741868, with internal and published modifications).

NM_001008388.5(CISD2):c.144C>T (p.Leu48=)

Genes: CISD2 (CDGSH iron sulfur domain 2; plus strand), SLC9B1 (solute carrier family 9 member B1; minus strand). Cytogenetic location: 4q24.
Variant type: single nucleotide variant.
Coding change: c.144C>T on transcript NM_001008388.5 (MANE Select); coding-DNA position 144, C replaced by T.
Protein change: p.Leu48=; no amino-acid change (leucine 48 retained).
Molecular consequence: synonymous variant. On other transcripts: missense variant (1), non-coding transcript variant (2).
Genome position (GRCh38, 1-based): chr4:102,885,256, C>T. VCF-style: chr4-102885256-C-T. GRCh37 (hg19) VCF-style: chr4-103806413-C-T.
Other names: c.1405G>A, p.Glu469Lys (NM_001100874.3); short protein forms E469K.
Identifiers: ClinVar variation 2188144 (VCV002188144.4), dbSNP rs371712100, ClinGen allele CA3027697.